The following is an entry in ClinVar:

ClinVar aggregate classification (germline): Uncertain significance (1 of 4 stars; one submission).

Conditions:
GDF5-related disorder. Also called: GDF5 (CDMP1)-related disorder; GDF5-related condition. Identifiers: MedGen CN169990.

Submission:

PreventionGenetics, part of Exact Sciences
Classification: Uncertain significance for GDF5-related condition. Last evaluated: 2025-04-05. Review status: criteria provided, single submitter. Criteria: ACMG Guidelines, 2015. Collection method: clinical testing. Allele origin: germline.
Comment: The GDF5 c.1088G>A variant is predicted to result in the amino acid substitution p.Gly363Asp. To our knowledge, this variant has not been reported in the literature or in a large population database (gnomAD), indicating this variant is rare. At this time, the clinical significance of this variant is uncertain due to the absence of conclusive functional and genetic evidence.

NM_000557.5(GDF5):c.1088G>A (p.Gly363Asp)

Genes: GDF5 (growth differentiation factor 5; minus strand), GDF5-AS1 (GDF5 antisense RNA 1; plus strand). Cytogenetic location: 20q11.22.
Variant type: single nucleotide variant.
Coding change: c.1088G>A on transcript NM_000557.5 (MANE Select); coding-DNA position 1088, G replaced by A.
Protein change: p.Gly363Asp; replaces glycine 363 with aspartic acid.
Molecular consequence: missense variant. On other transcripts: non-coding transcript variant (1).
Genome position (GRCh38, 1-based): chr20:35,434,327, C>T on the plus strand (G>A on the coding strand, the complement: GDF5 is on the minus strand). VCF-style: chr20-35434327-C-T. GRCh37 (hg19) VCF-style: chr20-34022125-C-T.
Other names: c.1088G>A, p.Gly363Asp (NM_001319138.2); short protein forms G363D.
Identifiers: ClinVar variation 4977568 (VCV004977568.1).